The following is an entry in ClinVar:

NM_024876.4(COQ8B):c.795C>T (p.Pro265=)

Gene: COQ8B (coenzyme Q8B; minus strand). Cytogenetic location: 19q13.2.
Variant type: single nucleotide variant.
Coding change: c.795C>T on transcript NM_024876.4 (MANE Select); coding-DNA position 795, C replaced by T.
Protein change: p.Pro265=; no amino-acid change (proline 265 retained).
Molecular consequence: synonymous variant.
Genome position (GRCh38, 1-based): chr19:40,703,545, G>A on the plus strand (C>T on the coding strand, the complement: COQ8B is on the minus strand). VCF-style: chr19-40703545-G-A. GRCh37 (hg19) VCF-style: chr19-41209450-G-A.
Other names: c.672C>T, p.Pro224= (NM_001142555.3).
Identifiers: ClinVar variation 511576 (VCV000511576.38), dbSNP rs150264062, ClinGen allele CA9450281.

ClinVar aggregate classification (germline): Likely benign. Review status: criteria provided, multiple submitters, no conflicts (2 of 4 stars). 5 submissions from 5 submitters: Likely benign (4). 1 of the submissions does not count toward it. Last evaluated 2026-08-01.

Conditions:
COQ8B-related disorder. Also called: COQ8B-related condition.

Allele frequency attached by ClinVar (database versions not stated): ESP Exome Variant Server 0.00092; gnomAD 0.00031 and 0.00032; gnomAD exomes 0.00035 and 0.00080; ExAC 0.00036; TOPMed 0.00043.
gnomAD v4.1: 1,195 of 1,600,168 alleles (0.075%); highest among the groups gnomAD compares: Non-Finnish European, 0.097%; 2 homozygotes.

Submissions (5):

CeGaT Center for Human Genetics Tuebingen
Classification: Likely benign. Last evaluated: 2026-08-01. Review status: criteria provided, single submitter. Criteria: CeGaT Center For Human Genetics Tuebingen Variant Classification Criteria Version 2. Collection method: clinical testing. Allele origin: germline. Affected: yes. Observed: 4 variant alleles.
Comment: COQ8B: BP4, BP7

Labcorp Genetics (formerly Invitae), Labcorp
Classification: Likely benign. Last evaluated: 2026-01-24. Review status: criteria provided, single submitter. Criteria: Invitae Variant Classification Sherloc (09022015). Collection method: clinical testing. Allele origin: germline.

Blueprint Genetics
Classification: Likely benign. Last evaluated: 2024-10-30. Review status: criteria provided, single submitter. Criteria: ACMG Guidelines, 2015. Collection method: clinical testing. Allele origin: germline.

GeneDx
Classification: Likely benign. Last evaluated: 2021-06-21. Review status: criteria provided, single submitter. Criteria: GeneDx Variant Classification Process June 2021. Collection method: clinical testing. Allele origin: germline. Affected: yes.

PreventionGenetics, part of Exact Sciences
Classification: Likely benign for COQ8B-related condition. Last evaluated: 2019-09-09. Review status: no assertion criteria provided. Collection method: clinical testing. Allele origin: germline. Not counted in ClinVar's aggregate classification.
Comment: This variant is classified as likely benign based on ACMG/AMP sequence variant interpretation guidelines (Richards et al. 2015 PMID: 25741868, with internal and published modifications).